The following is an entry in ClinVar:

ClinVar aggregate classification (germline): Conflicting classifications of pathogenicity. Review status: criteria provided, conflicting classifications (1 of 4 stars). 4 submissions from 4 submitters: Uncertain significance (2); Benign (1); Likely benign (1). Last evaluated 2026-05-09.

Conditions:
DNAH11-related disorder. Also called: DNAH11-related condition.
Ciliary dyskinesia, primary, 37 (CILD37). Also called: CILIARY DYSKINESIA, PRIMARY, 37, WITH OR WITHOUT SITUS INVERSUS. Identifiers: MedGen C4539798, MONDO:0033204, OMIM 617577.
Primary ciliary dyskinesia. Also called: Ciliary dyskinesia. Identifiers: Orphanet 244, MedGen C0008780, MONDO:0016575, HP:0012265.

Allele frequency attached by ClinVar (database versions not stated): ExAC 0.00005; ESP Exome Variant Server 0.00008; 1000 Genomes Project 30x 0.00016; 1000 Genomes Project 0.00020; TOPMed 0.00021.
gnomAD v4.1: 53 of 1,613,314 alleles (0.0033%); highest among the groups gnomAD compares: African/African-American, 0.063%; no homozygotes.

Submissions (4):

PreventionGenetics, part of Exact Sciences
Classification: Uncertain significance for DNAH11-related condition. Last evaluated: 2026-05-09. Review status: criteria provided, single submitter. Criteria: ACMG Guidelines, 2015. Collection method: clinical testing. Allele origin: germline.
Comment: The DNAH11 c.1643A>T variant is predicted to result in the amino acid substitution p.Asp548Val. To our knowledge, this variant has not been reported in the literature. This variant is reported in 0.083% of alleles in individuals of African descent in gnomAD. At this time, the clinical significance of this variant is uncertain due to the absence of conclusive functional and genetic evidence.

Labcorp Genetics (formerly Invitae), Labcorp
Classification: Benign for Primary ciliary dyskinesia. Last evaluated: 2025-05-14. Review status: criteria provided, single submitter. Criteria: Invitae Variant Classification Sherloc (09022015). Collection method: clinical testing. Allele origin: germline.

Johns Hopkins Genomics, Johns Hopkins University
Classification: Uncertain significance for Ciliary dyskinesia, primary, 37. Last evaluated: 2025-02-03. Review status: criteria provided, single submitter. Criteria: ACMG Guidelines, 2015. Collection method: clinical testing. Allele origin: germline.
Comment: This DNAH1 missense variant (rs374191991) is rare (<0.1%) in a large population dataset (gnomADv4.1.0: 53/1613314 total alleles; 0.003%; no homozygotes) and has been reported in ClinVar (Variation ID: 566754). It has not been reported in the literature in individuals with primary ciliary dyskinesia 7, to our knowledge. Two bioinformatics tools predict that the substitution would be damaging and the arginine residue at this position is evolutionarily conserved across many of the vertebrate species assessed. We consider the clinical significance of DNAH11 c.1643A>T to be uncertain at this time.

Ambry Genetics
Classification: Likely benign for Primary ciliary dyskinesia. Last evaluated: 2024-09-10. Review status: criteria provided, single submitter. Criteria: Ambry Variant Classification Scheme 2023. Collection method: clinical testing. Allele origin: germline.

Literature cited by the submitters: PubMed 12142464 (cited by Johns Hopkins Genomics, Johns Hopkins University).

NM_001277115.2(DNAH11):c.1643A>T (p.Asp548Val)

Gene: DNAH11 (dynein axonemal heavy chain 11; plus strand). Cytogenetic location: 7p15.3.
Variant type: single nucleotide variant.
Coding change: c.1643A>T on transcript NM_001277115.2 (MANE Select); coding-DNA position 1643, A replaced by T.
Protein change: p.Asp548Val; replaces aspartic acid 548 with valine.
Molecular consequence: missense variant.
Genome position (GRCh38, 1-based): chr7:21,581,954, A>T. VCF-style: chr7-21581954-A-T. GRCh37 (hg19) VCF-style: chr7-21621572-A-T.
Other names: short protein forms D548V.
Identifiers: ClinVar variation 566754 (VCV000566754.12), dbSNP rs374191991, ClinGen allele CA4179050.